The following is an entry in ClinVar:

ClinVar aggregate classification (germline): Uncertain significance (1 of 4 stars; one submission).

gnomAD v4.1: 8 of 1,613,918 alleles (0.0005%); highest among the groups gnomAD compares: Admixed American, 0.012%; no homozygotes.

Submission:

Labcorp Genetics (formerly Invitae), Labcorp
Classification: Uncertain significance. Last evaluated: 2024-10-03. Review status: criteria provided, single submitter. Criteria: Invitae Variant Classification Sherloc (09022015). Collection method: clinical testing. Allele origin: germline.
Comment: This sequence change falls in intron 4 of the TAF6 gene. It does not directly change the encoded amino acid sequence of the TAF6 protein. It affects a nucleotide within the consensus splice site. This variant is present in population databases (rs749377331, gnomAD 0.01%). This variant has not been reported in the literature in individuals affected with TAF6-related conditions. Variants that disrupt the consensus splice site are a relatively common cause of aberrant splicing (PMID: 17576681, 9536098). Algorithms developed to predict the effect of sequence changes on RNA splicing suggest that this variant is not likely to affect RNA splicing. In summary, the available evidence is currently insufficient to determine the role of this variant in disease. Therefore, it has been classified as a Variant of Uncertain Significance.

Literature cited by the submitters: PubMed 17576681; PubMed 9536098.

NM_139315.3(TAF6):c.397+4G>C

Gene: TAF6 (TATA-box binding protein associated factor 6; minus strand). Cytogenetic location: 7q22.1.
Variant type: single nucleotide variant.
Coding change: c.397+4G>C on transcript NM_139315.3 (MANE Select); 4 bases into the intron after coding-DNA position 397, G replaced by C.
Molecular consequence: intron variant.
Genome position (GRCh38, 1-based): chr7:100,113,612, C>G on the plus strand (G>C on the coding strand, the complement: TAF6 is on the minus strand). VCF-style: chr7-100113612-C-G. GRCh37 (hg19) VCF-style: chr7-99711235-C-G.
Other names: c.508+4G>C (NM_001190415.2); c.367+4G>C (NM_001365001.1, NM_001365000.1, NM_001365003.1 and 1 more transcripts); c.535+4G>C (NM_001365004.1); c.397+4G>C (NM_005641.4, NM_001364998.1, NM_001364999.1).
Identifiers: ClinVar variation 3612546 (VCV003612546.2).